The following is an entry in ClinVar:

NM_001303052.2(MYT1L):c.304_306del (p.Lys102del)

Gene: MYT1L (myelin transcription factor 1 like; minus strand). Cytogenetic location: 2p25.3.
Variant type: Deletion.
Coding change: c.304_306del on transcript NM_001303052.2 (MANE Select); coding-DNA positions 304 to 306, 3 bases deleted (AAG; older notation c.304_306delAAG).
Protein change: p.Lys102del; deletes lysine 102.
Molecular consequence: inframe deletion.
Genome position (GRCh38, 1-based): chr2:1,943,181-1,943,183, CTT deleted on the plus strand (AAG on the coding strand, the reverse complement: MYT1L is on the minus strand); deleting any 3 consecutive bases within chr2:1,943,181-1,943,185 gives the same sequence; the c. name uses the placement nearest the transcript's 3' end. VCF-style (leftmost placement, unchanged base first): chr2-1943180-CCTT-C. GRCh37 (hg19) VCF-style: chr2-1946952-CCTT-C.
Other names: c.304_306del, p.Lys102del (NM_001329844.2, NM_001329845.1, NM_001329846.3 and 6 more transcripts); short protein forms K102del.
Identifiers: ClinVar variation 2502065 (VCV002502065.1), dbSNP rs1252467270, ClinGen allele CA530846964.

ClinVar aggregate classification (germline): Uncertain significance (1 of 4 stars; one submission).

Submission:

GeneDx
Classification: Uncertain significance. Last evaluated: 2022-11-12. Review status: criteria provided, single submitter. Criteria: GeneDx Variant Classification Process June 2021. Collection method: clinical testing. Allele origin: germline. Affected: yes.
Comment: In-frame deletion of 1 amino acids in a non-repeat region; In silico analysis supports a deleterious effect on protein structure/function; Has not been previously published as pathogenic or benign to our knowledge